The following is an entry in ClinVar:

ClinVar aggregate classification (germline): Uncertain significance. Review status: criteria provided, multiple submitters, no conflicts (2 of 4 stars). 3 submissions from 3 submitters: Uncertain significance (3). Last evaluated 2026-08-01.

Conditions:
Spinocerebellar ataxia type 23 (SCA23). Identifiers: Orphanet 101108, MedGen C1853250, MONDO:0012449, OMIM 610245.

Allele frequency attached by ClinVar (database versions not stated): gnomAD 0.00006 and 0.00009; TOPMed 0.00010; gnomAD exomes 0.00012; ExAC 0.00013.
gnomAD v4.1: 187 of 1,613,144 alleles (0.012%); highest among the groups gnomAD compares: South Asian, 0.024%; no homozygotes.

Submissions (3):

CeGaT Center for Human Genetics Tuebingen
Classification: Uncertain significance. Last evaluated: 2026-08-01. Review status: criteria provided, single submitter. Criteria: CeGaT Center For Human Genetics Tuebingen Variant Classification Criteria Version 2. Collection method: clinical testing. Allele origin: germline. Affected: yes. Observed: 3 variant alleles.

Labcorp Genetics (formerly Invitae), Labcorp
Classification: Uncertain significance. Last evaluated: 2024-06-21. Review status: criteria provided, single submitter. Criteria: Invitae Variant Classification Sherloc (09022015). Collection method: clinical testing. Allele origin: germline.
Comment: This sequence change replaces arginine, which is basic and polar, with cysteine, which is neutral and slightly polar, at codon 206 of the PDYN protein (p.Arg206Cys). This variant is present in population databases (rs575606358, gnomAD 0.02%). This missense change has been observed in individual(s) with autosomal dominant cerebellar ataxia (PMID: 23471613). ClinVar contains an entry for this variant (Variation ID: 871369). Advanced modeling of protein sequence and biophysical properties (such as structural, functional, and spatial information, amino acid conservation, physicochemical variation, residue mobility, and thermodynamic stability) performed at Invitae indicates that this missense variant is expected to disrupt PDYN protein function with a positive predictive value of 80%. Experimental studies have shown that this missense change does not substantially affect PDYN function (PMID: 23471613). This variant disrupts the p.Arg206 amino acid residue in PDYN. Other variant(s) that disrupt this residue have been observed in individuals with PDYN-related conditions (PMID: 23471613), which suggests that this may be a clinically significant amino acid residue. In summary, the available evidence is currently insufficient to determine the role of this variant in disease. Therefore, it has been classified as a Variant of Uncertain Significance.

Illumina Laboratory Services, Illumina
Classification: Uncertain significance for Spinocerebellar ataxia type 23. Last evaluated: 2017-04-27. Review status: criteria provided, single submitter. Criteria: ICSL Variant Classification Criteria 13 December 2019. Collection method: clinical testing. Allele origin: germline.
Comment: This variant was observed as part of a predisposition screen in an ostensibly healthy population. A literature search was performed for the gene, cDNA change, and amino acid change (where applicable). Publications were found based on this search. However, the evidence from the literature, in combination with allele frequency data from public databases where available, was not sufficient to rule this variant in or out of causing disease. Therefore, this variant is classified as a variant of unknown significance.

Literature cited by the submitters: PubMed 23471613 (cited by Labcorp Genetics (formerly Invitae), Labcorp and Illumina Laboratory Services, Illumina).

NM_024411.5(PDYN):c.616C>T (p.Arg206Cys)

Genes: PDYN (prodynorphin; minus strand), PDYN-AS1 (PDYN antisense RNA 1; plus strand). Cytogenetic location: 20p13.
Variant type: single nucleotide variant.
Coding change: c.616C>T on transcript NM_024411.5 (MANE Select); coding-DNA position 616, C replaced by T.
Protein change: p.Arg206Cys; replaces arginine 206 with cysteine.
Molecular consequence: missense variant.
Genome position (GRCh38, 1-based): chr20:1,980,472, G>A on the plus strand (C>T on the coding strand, the complement: PDYN is on the minus strand). VCF-style: chr20-1980472-G-A. GRCh37 (hg19) VCF-style: chr20-1961118-G-A.
Other names: c.616C>T, p.Arg206Cys (NM_001190892.1, NM_001190898.3, NM_001190899.2 and 1 more transcripts); short protein forms R206C.
Identifiers: ClinVar variation 871369 (VCV000871369.49), dbSNP rs575606358, ClinGen allele CA9730253.